The following is an entry in ClinVar:

ClinVar aggregate classification (germline): Uncertain significance. Review status: criteria provided, single submitter (1 of 4 stars). 2 submissions from 2 submitters: Uncertain significance (1). 1 of the submissions does not count toward it. Last evaluated 2024-07-09.

Conditions:
CYP21A2-related disorder. Also called: CYP21A2-related condition.
21-Hydroxylase-Deficient Congenital Adrenal Hyperplasia. Also called: ADRENAL HYPERPLASIA, CONGENITAL, DUE TO 21-HYDROXYLASE DEFICIENCY; ADRENAL HYPERPLASIA III. Identifiers: MedGen C2936858, OMIM 201910.

Allele frequency attached by ClinVar (database versions not stated): gnomAD exomes 0.00003; gnomAD 0.00005; TOPMed 0.00006; ExAC 0.00009.
gnomAD v4.1: 50 of 1,599,012 alleles (0.0031%); highest among the groups gnomAD compares: South Asian, 0.012%; no homozygotes.

Submissions (2):

Newborn Screening Ontario, Children's Hospital of Eastern Ontario (CHEO)
Classification: Uncertain significance for 21-Hydroxylase-Deficient Congenital Adrenal Hyperplasia. Last evaluated: 2024-07-09. Review status: criteria provided, single submitter. Criteria: ACMG Guidelines, 2015. Collection method: clinical testing. Allele origin: germline. Inheritance: Autosomal recessive inheritance.

PreventionGenetics, part of Exact Sciences
Classification: Uncertain significance for CYP21A2-related condition. Last evaluated: 2023-11-27. Review status: no assertion criteria provided. Collection method: clinical testing. Allele origin: germline. Not counted in ClinVar's aggregate classification.
Comment: The CYP21A2 c.77G>A variant is predicted to result in the amino acid substitution p.Arg26Gln. To our knowledge, this variant has not been reported in the literature. This variant is reported in 0.012% of alleles in individuals of Latino descent in gnomAD. At this time, the clinical significance of this variant is uncertain due to the absence of conclusive functional and genetic evidence.

NM_000500.9(CYP21A2):c.77G>A (p.Arg26Gln)

Genes: CYP21A2 (cytochrome P450 family 21 subfamily A member 2; plus strand), LOC106780800 (CYP21A2 recombination region; plus strand). Cytogenetic location: 6p21.33.
Variant type: single nucleotide variant.
Coding change: c.77G>A on transcript NM_000500.9 (MANE Select); coding-DNA position 77, G replaced by A.
Protein change: p.Arg26Gln; replaces arginine 26 with glutamine.
Molecular consequence: missense variant. On other transcripts: 5 prime UTR variant (2).
Genome position (GRCh38, 1-based): chr6:32,038,499, G>A. VCF-style: chr6-32038499-G-A. GRCh37 (hg19) VCF-style: chr6-32006276-G-A.
Other names: c.77G>A, p.Arg26Gln (NM_001128590.4); c.-348G>A (NM_001368143.2); c.-258G>A (NM_001368144.2); short protein forms R26Q.
Identifiers: ClinVar variation 3029608 (VCV003029608.3), dbSNP rs771942449, ClinGen allele CA3732271.